The following is an entry in ClinVar:

NM_004385.5(VCAN):c.1356_1357del (p.Ser453fs)

Gene: VCAN (versican; plus strand). Cytogenetic location: 5q14.3.
Variant type: Microsatellite.
Coding change: c.1356_1357del on transcript NM_004385.5 (MANE Select); coding-DNA positions 1356 to 1357, 2 bases deleted (AT; older notation c.1356_1357delAT).
Protein change: p.Ser453fs; shifts the reading frame from serine 453.
Molecular consequence: frameshift variant. On other transcripts: intron variant (2).
Genome position (GRCh38, 1-based): chr5:83,519,662-83,519,663, AT deleted; deleting any 2 consecutive bases within chr5:83,519,660-83,519,663 gives the same sequence; the c. name uses the placement nearest the transcript's 3' end. VCF-style (leftmost placement, unchanged base first): chr5-83519659-CAT-C. GRCh37 (hg19) VCF-style: chr5-82815478-CAT-C.
Other names: c.1356_1357del, p.Ser453fs (NM_001164098.2); c.1042+7266_1042+7267del (NM_001164097.2, NM_001126336.3); short protein forms S453fs.
Identifiers: ClinVar variation 4730890 (VCV004730890.1).
Genomic context (GRCh38, chr5:83,519,659, plus strand): 5'-GAAGCCCTGGGATATGGATGACTACTCACCTTCTGCTTCAGGACCTCTTGGAAAGCTAGA[CAT>C]ATCAGAAATTAAGGAAGAAGTGCTCCAGAGTACAACTGGCGTCTCTCATTATGCTACGGA-3'

ClinVar aggregate classification (germline): Uncertain significance (1 of 4 stars; one submission).

Submission:

Labcorp Genetics (formerly Invitae), Labcorp
Classification: Uncertain significance. Last evaluated: 2025-11-17. Review status: criteria provided, single submitter. Criteria: Invitae Variant Classification Sherloc (09022015). Collection method: clinical testing. Allele origin: germline.
Comment: This sequence change creates a premature translational stop signal (p.Ser453Argfs*3) in the VCAN gene. However, it is currently unclear if loss-of-function variants that occur in this region of the gene cause disease. This variant is not present in population databases (gnomAD no frequency). This variant has not been reported in the literature in individuals affected with VCAN-related conditions. In summary, the available evidence is currently insufficient to determine the role of this variant in disease. Therefore, it has been classified as a Variant of Uncertain Significance.